The following is an entry in ClinVar:

ClinVar aggregate classification (germline): Pathogenic (1 of 4 stars; one submission).

Conditions:
Hereditary breast ovarian cancer syndrome. Also called: Hereditary breast and ovarian cancer; Hereditary breast and ovarian cancer syndrome (HBOC); Breast and ovarian cancer; Hereditary breast and/or ovarian cancer syndrome; BRCA1- and BRCA2-Associated Hereditary Breast and Ovarian Cancer; Hereditary breast and ovarian cancer syndrome. Identifiers: Orphanet 145, MedGen C0677776, MeSH D061325, MONDO:0003582. Disease mechanism: loss of function.

Submissions (2):

Labcorp Genetics (formerly Invitae), Labcorp
Classification: Pathogenic for Hereditary breast ovarian cancer syndrome. Last evaluated: 2019-10-26. Review status: criteria provided, single submitter. Criteria: Invitae Variant Classification Sherloc (09022015). Collection method: clinical testing. Allele origin: germline.
Comment: This sequence change creates a premature translational stop signal (p.Lys32*) in the BRCA1 gene. It is expected to result in an absent or disrupted protein product. This variant is not present in population databases (ExAC no frequency). This variant has not been reported in the literature in individuals with BRCA1-related conditions. Loss-of-function variants in BRCA1 are known to be pathogenic (PMID: 20104584). For these reasons, this variant has been classified as Pathogenic.

Brotman Baty Institute, University of Washington
No classification provided (evidence only). Condition: Breast-ovarian cancer, familial 1. Review status: no classification provided. Collection method: in vitro. Allele origin: not applicable. Functional consequence: functionally_abnormal. Not counted in ClinVar's aggregate classification.
ClinVar note: "not provided" was previously submitted as the classification for the variant. However, the classification appeared to be based only on an observation of functional data so it was converted to no classification on 2025-07-30.

Literature cited by the submitters: PubMed 20104584 (cited by Labcorp Genetics (formerly Invitae), Labcorp).

NM_007294.4(BRCA1):c.94A>T (p.Lys32Ter)

Gene: BRCA1 (BRCA1 DNA repair associated; minus strand). Cytogenetic location: 17q21.31.
Variant type: single nucleotide variant.
Coding change: c.94A>T on transcript NM_007294.4 (MANE Select); coding-DNA position 94, A replaced by T.
Protein change: p.Lys32Ter; replaces lysine 32 with a stop codon.
Molecular consequence: nonsense. On other transcripts: non-coding transcript variant (1), intron variant (1).
Genome position (GRCh38, 1-based): chr17:43,115,766, T>A on the plus strand (A>T on the coding strand, the complement: BRCA1 is on the minus strand). VCF-style: chr17-43115766-T-A. GRCh37 (hg19) VCF-style: chr17-41267783-T-A.
Other names: c.-95A>T (NM_001407571.1, NM_001407853.1, NM_001407879.1 and 52 more transcripts); c.94A>T, p.Lys32Ter (NM_001407581.1, NM_001407582.1, NM_001407583.1 and 192 more transcripts); c.-210A>T (NM_001407962.1, NM_001407960.1, NM_001408510.1 and 1 more transcripts); c.-48A>T (NM_001407964.1, NM_001407697.1, NM_001408410.1 and 47 more transcripts); c.-326A>T (NM_001407965.1); c.-164A>T (NM_001407694.1, NM_001407696.1, NM_001407724.1 and 13 more transcripts); c.-168A>T (NM_001407695.1, NM_001408465.1); c.-44A>T (NM_001407841.1); and 2 more; short protein forms K32*.
Identifiers: ClinVar variation 867794 (VCV000867794.11), dbSNP rs2055258887, ClinGen allele CA10601965.